The following is an entry in ClinVar:

ClinVar aggregate classification (germline): Benign/Likely benign. Review status: criteria provided, multiple submitters, no conflicts (2 of 4 stars). 6 submissions from 6 submitters: Benign (3); Likely benign (1). 2 of the submissions do not count toward it. Last evaluated 2026-01-06.

Conditions:
Townes syndrome (TBS). Also called: Townes-Brocks syndrome. Identifiers: Orphanet 857, MedGen C0265246, MeSH C536974, MONDO:0007142.
Townes-Brocks syndrome 1 (TBS1). Also called: SALL1-Related Townes-Brocks Syndrome; REAR SYNDROME; RENAL-EAR-ANAL-RADIAL SYNDROME; DEAFNESS, SENSORINEURAL, WITH IMPERFORATE ANUS AND THUMB ANOMALIES. Identifiers: Orphanet 857, MedGen C4551481, MONDO:0054581, OMIM 107480.

Submissions (6):

Labcorp Genetics (formerly Invitae), Labcorp
Classification: Benign for Townes syndrome. Last evaluated: 2026-01-06. Review status: criteria provided, single submitter. Criteria: Invitae Variant Classification Sherloc (09022015). Collection method: clinical testing. Allele origin: germline.

CeGaT Center for Human Genetics Tuebingen
Classification: Benign. Last evaluated: 2026-01-01. Review status: criteria provided, single submitter. Criteria: CeGaT Center For Human Genetics Tuebingen Variant Classification Criteria Version 2. Collection method: clinical testing. Allele origin: germline. Affected: yes. Observed: 7 variant alleles.
Comment: SALL1: BS1, BS2

Fulgent Genetics
Classification: Likely benign for Townes-Brocks syndrome 1. Last evaluated: 2021-12-09. Review status: criteria provided, single submitter. Criteria: ACMG Guidelines, 2015. Collection method: clinical testing. Allele origin: unknown.

GeneDx
Classification: Benign. Last evaluated: 2019-07-26. Review status: criteria provided, single submitter. Criteria: GeneDx Variant Classification Process June 2021. Collection method: clinical testing. Allele origin: germline. Affected: yes.

Diagnostic Laboratory, Department of Genetics, University Medical Center Groningen
Classification: Benign. Review status: no assertion criteria provided. Collection method: clinical testing. Allele origin: germline. Affected: yes. Study: VKGL Data-share Consensus. Not counted in ClinVar's aggregate classification.

Laboratory of Diagnostic Genome Analysis, Leiden University Medical Center (LUMC)
Classification: Likely benign. Review status: no assertion criteria provided. Collection method: clinical testing. Allele origin: germline. Affected: yes. Study: VKGL Data-share Consensus. Not counted in ClinVar's aggregate classification.

NM_002968.3(SALL1):c.448AGC[13] (p.Ser157_Ser159dup)

Gene: SALL1 (spalt like transcription factor 1; minus strand). Cytogenetic location: 16q12.1.
Variant type: Microsatellite.
Coding change: c.448AGC[13] on transcript NM_002968.3 (MANE Select); 13 copies in a row of the 3-base unit AGC starting at c.448; the reference has ten copies in a row; three copies, 9 bases duplicated; also written c.469_477dup.
Protein change: p.Ser157_Ser159dup.
Molecular consequence: inframe insertion.
Genome position (GRCh38, 1-based): chr16:51,141,745-51,141,753, GCTGCTGCT duplicated on the plus strand (AGCAGCAGC on the coding strand, the reverse complement: SALL1 is on the minus strand); duplicating any 9 consecutive bases within chr16:51,141,745-51,141,774 gives the same sequence; the position shown is the placement nearest the transcript's 3' end. VCF-style (leftmost placement, unchanged base first): chr16-51141744-C-CGCTGCTGCT. GRCh37 (hg19) VCF-style: chr16-51175655-C-CGCTGCTGCT.
Other names: c.469_477dup (NM_002968.3, NM_002968.2); c.157AGC[13], p.Ser60_Ser62dup (NM_001127892.2).
Identifiers: ClinVar variation 702302 (VCV000702302.40), dbSNP rs113614842, ClinGen allele CA8053462.